The following is an entry in ClinVar:

NM_007118.4(TRIO):c.6532G>A (p.Gly2178Arg)

Gene: TRIO (trio Rho guanine nucleotide exchange factor; plus strand). Cytogenetic location: 5p15.2.
Variant type: single nucleotide variant.
Coding change: c.6532G>A on transcript NM_007118.4 (MANE Select); coding-DNA position 6532, G replaced by A.
Protein change: p.Gly2178Arg; replaces glycine 2178 with arginine.
Molecular consequence: missense variant. On other transcripts: non-coding transcript variant (1).
Genome position (GRCh38, 1-based): chr5:14,482,648, G>A. VCF-style: chr5-14482648-G-A. GRCh37 (hg19) VCF-style: chr5-14482757-G-A.
Other names: p.Gly2178Arg; short protein forms G2178R.
Identifiers: ClinVar variation 4080597 (VCV004080597.2).
Genomic context (GRCh38, chr5:14,482,648, plus strand): 5'-ATCGTTGCCCAGGGTAAACTGCTCTTGCAGGACACATTCTTGGTCACAGACCAAGATGCA[G>A]GACTTCTGCCTCGCTGCAGAGAGAGGCGCATCTTCCTCTTTGAGCAGATCGTCATATTCA-3'
Protein context (NP_009049.2, residues 2168-2188): DTFLVTDQDA[Gly2178Arg]LLPRCRERRI

ClinVar aggregate classification (germline): Conflicting classifications of pathogenicity. Review status: criteria provided, conflicting classifications (1 of 4 stars). 2 submissions from 2 submitters: Likely pathogenic (1); Uncertain significance (1). Last evaluated 2026-07-21.

Conditions:
Intellectual developmental disorder, autosomal dominant 44, with microcephaly. Also called: Micrognathia-recurrent infections-behavioral abnormalities-mild intellectual disability syndrome; TRIO-Related Intellectual Disability. Identifiers: Orphanet 476126, MedGen C4310740, MONDO:0014892, OMIM 617061.

Submissions (2):

Laboratory of Molecular Genetics, Uzhhorod National University
Classification: Likely pathogenic for Intellectual developmental disorder, autosomal dominant 44, with microcephaly. Last evaluated: 2026-07-21. Review status: criteria provided, single submitter. Criteria: ACMG Guidelines, 2015. Collection method: research. Allele origin: de novo. Inheritance: Autosomal dominant inheritance. Affected: yes. Observed: 1 variant allele, 1 heterozygote.
Comment: The TRIO c.6532G>A (p.Gly2178Arg) variant is absent from large population databases, including gnomAD, supporting its rarity (PM2). This sequence change replaces glycine, which is a small neutral and non-polar amino acid, with arginine, which is a positively charged and polar amino acid, at codon 2178 of the TRIO protein. The variant has not been previously reported in the medical literature in individuals affected with TRIO-related conditions. In silico meta-analysis (REVEL) supports a deleterious effect of this missense variant on protein function (PMID: 27666373). Considering the available evidence indicating a potential disruption of TRIO protein function, together with the absence of the variant in population databases, the c.6532G>A (p.Gly2178Arg) TRIO variant is classified as a Likely Pathogenic Variant (LPV). Clinical correlation and additional family studies are recommended to further evaluate the clinical significance of this variant.

Revvity Omics, Revvity
Classification: Uncertain significance. Last evaluated: 2024-08-07. Review status: criteria provided, single submitter. Criteria: ACMG Guidelines, 2015. Collection method: clinical testing. Allele origin: germline.